The following is an entry in ClinVar:

NC_000016.9:g.(?_2125780)_(2152787_?)del

Genes: MIR1225 (microRNA 1225; minus strand), PKD1 (polycystin 1, transient receptor potential channel interacting; minus strand), TSC2 (TSC complex subunit 2; plus strand). Cytogenetic location: 16p13.3.
Variant type: Deletion.
Identifiers: ClinVar variation 2423289 (VCV002423289.4).

ClinVar aggregate classification (germline): Pathogenic (1 of 4 stars; one submission).

Conditions:
Tuberous sclerosis 2 (TSC2). Identifiers: Orphanet 805, MedGen C1860707, MONDO:0013199, OMIM 613254.

Submission:

Labcorp Genetics (formerly Invitae), Labcorp
Classification: Pathogenic for Tuberous sclerosis 2. Last evaluated: 2021-12-02. Review status: criteria provided, single submitter. Criteria: Invitae Variant Classification Sherloc (09022015). Collection method: clinical testing. Allele origin: germline.
Comment: For these reasons, this variant has been classified as Pathogenic. This variant disrupts a region of the TSC2 protein in which other variant(s) (p.His1746Pro) have been determined to be pathogenic (Invitae). This suggests that this is a clinically significant region of the protein, and that variants that disrupt it are likely to be disease-causing. This variant has not been reported in the literature in individuals affected with TSC2-related conditions. This variant is a gross deletion of the genomic region encompassing exon(s) 23-42 of the TSC2 gene, which includes the termination codon. This deletion extends beyond the assayed region for this gene and therefore may encompass additional genes. While this deletion is not anticipated to lead to nonsense mediated decay, it is expected to alter mRNA translation or result in a truncated protein product.